The following is an entry in ClinVar:

ClinVar aggregate classification (germline): Pathogenic (1 of 4 stars; one submission).

Conditions:
Familial hypokalemia-hypomagnesemia (GTLMNS). Also called: POTASSIUM AND MAGNESIUM DEPLETION; HYPOMAGNESEMIA-HYPOKALEMIA, PRIMARY RENOTUBULAR, WITH HYPOCALCIURIA; gitelman syndrome. Identifiers: Orphanet 358, MedGen C0268450, MONDO:0009904, OMIM 263800.

Submission:

Clinical Genetics Unit, University of Padua
Classification: Pathogenic for Familial hypokalemia-hypomagnesemia. Last evaluated: 2025-01-01. Review status: criteria provided, single submitter. Criteria: ACMG Guidelines, 2015. Collection method: clinical testing. Allele origin: germline. Affected: yes. Observed: 1 variant allele.
Comment: This is a nonsense variant (PVS1); it is not present in gnomAD (PM2); it was reported in trans with NM_000339.3:c.2581C>T, a pathogenic variant (PM3).

NM_001126108.2(SLC12A3):c.2908_2915del (p.Ala970fs)

Gene: SLC12A3 (solute carrier family 12 member 3; plus strand). Cytogenetic location: 16q13.
Variant type: Deletion.
Coding change: c.2908_2915del on transcript NM_001126108.2 (MANE Select); coding-DNA positions 2908 to 2915, 8 bases deleted (GCTGCTCT; older notation c.2908_2915delGCTGCTCT).
Protein change: p.Ala970fs; shifts the reading frame from alanine 970.
Molecular consequence: frameshift variant.
Genome position (GRCh38, 1-based): chr16:56,904,446-56,904,453, GCTGCTCT deleted. VCF-style (leftmost placement, unchanged base first): chr16-56904445-CGCTGCTCT-C. GRCh37 (hg19) VCF-style: chr16-56938357-CGCTGCTCT-C.
Other names: NP_000330.3:p.(Ala979HisfsTer66); c.2935_2942del, p.Ala979fs (NM_000339.3); c.2932_2939del, p.Ala978fs (NM_001126107.2); c.2905_2912del, p.Ala969fs (NM_001410896.1); short protein forms A969fs, A970fs, A978fs, A979fs.
Identifiers: ClinVar variation 4813299 (VCV004813299.1).